The following is an entry in ClinVar:

NM_017636.4(TRPM4):c.2378T>G (p.Phe793Cys)

Gene: TRPM4 (transient receptor potential cation channel subfamily M member 4; plus strand). Cytogenetic location: 19q13.33.
Variant type: single nucleotide variant.
Coding change: c.2378T>G on transcript NM_017636.4 (MANE Select); coding-DNA position 2378, T replaced by G.
Protein change: p.Phe793Cys; replaces phenylalanine 793 with cysteine.
Molecular consequence: missense variant. On other transcripts: intron variant (1).
Genome position (GRCh38, 1-based): chr19:49,196,607, T>G. VCF-style: chr19-49196607-T-G. GRCh37 (hg19) VCF-style: chr19-49699864-T-G.
Other names: c.2033T>G, p.Phe678Cys (NM_001321281.2); c.770T>G, p.Phe257Cys (NM_001321282.2); c.1856T>G, p.Phe619Cys (NM_001321283.2); c.1316T>G, p.Phe439Cys (NM_001321285.2); c.2211-3693T>G (NM_001195227.2); short protein forms F257C, F439C, F619C, F678C, F793C.
Identifiers: ClinVar variation 1050713 (VCV001050713.1), dbSNP rs2123042535, ClinGen allele CA406809071.

ClinVar aggregate classification (germline): Uncertain significance (0 of 4 stars; one submission).

Allele frequency attached by ClinVar (database versions not stated): gnomAD exomes below 0.00001.
gnomAD v4.1: 1 of 1,555,992 alleles (0.000064%); highest among the groups gnomAD compares: South Asian, 0.0012%; no homozygotes.

Submission:

Department of Pathology and Laboratory Medicine, Sinai Health System
Classification: Uncertain significance. Review status: no assertion criteria provided. Collection method: clinical testing. Allele origin: unknown. Affected: yes. Study: The Canadian Open Genetics Repository (COGR).
Comment: The TRPM4 p.Phe439Cys variant was not identified in the literature nor was it identified in the dbSNP, ClinVar, Cosmic, MutDB or LOVD 3.0 databases. The variant was also not identified in the following control databases: the 1000 Genomes Project, the NHLBI GO Exome Sequencing Project, the Exome Aggregation Consortium (August 8th 2016), or the Genome Aggregation Database (Feb 27, 2017). The p.Phe439 residue is not conserved in mammals but is conserved in other organisms and computational analyses (PolyPhen-2, SIFT, BLOSUM, MutationTaster) suggest that the variant may impact the protein. In summary, based on the above information the clinical significance of this variant cannot be determined with certainty at this time. This variant is classified as a variant of uncertain significance.